The following is an entry in ClinVar:

ClinVar aggregate classification (germline): Uncertain significance (1 of 4 stars; one submission).

Conditions:
Multiple acyl-CoA dehydrogenase deficiency (MADD). Also called: Glutaric acidemia type II; GA 2; Glutaric aciduria, type 2; ETHYLMALONIC-ADIPICACIDURIA; GA II; Glutaric Acidemia type 2. Identifiers: Orphanet 26791, MedGen C0268596, MONDO:0009282, OMIM 231680.

Submission:

Labcorp Genetics (formerly Invitae), Labcorp
Classification: Uncertain significance for Multiple acyl-CoA dehydrogenase deficiency. Last evaluated: 2020-12-23. Review status: criteria provided, single submitter. Criteria: Invitae Variant Classification Sherloc (09022015). Collection method: clinical testing. Allele origin: germline.
Comment: This sequence change replaces proline with glutamine at codon 196 of the ETFDH protein (p.Pro196Gln). The proline residue is highly conserved and there is a moderate physicochemical difference between proline and glutamine. This variant has been observed in individual(s) with multiple acyl-CoA dehydrogenase deficiency (Invitae). The frequency data for this variant in the population databases is not available, as this variant may be reported as separate entries in the ExAC database. In summary, the available evidence is currently insufficient to determine the role of this variant in disease. Therefore, it has been classified as a Variant of Uncertain Significance. Algorithms developed to predict the effect of missense changes on protein structure and function are either unavailable or do not agree on the potential impact of this missense change (SIFT: "Not Available"; PolyPhen-2: "Probably Damaging"; Align-GVGD: "Not Available").

NM_004453.4(ETFDH):c.587_588delinsAA (p.Pro196Gln)

Gene: ETFDH (electron transfer flavoprotein dehydrogenase; plus strand). Cytogenetic location: 4q32.1.
Variant type: Indel.
Coding change: c.587_588delinsAA on transcript NM_004453.4 (MANE Select); coding-DNA positions 587 to 588, CT replaced by AA.
Protein change: p.Pro196Gln; replaces proline 196 with glutamine.
Molecular consequence: missense variant.
Genome position (GRCh38, 1-based): chr4:158,685,200-158,685,201, CT replaced by AA. VCF-style: chr4-158685200-CT-AA. GRCh37 (hg19) VCF-style: chr4-159606352-CT-AA.
Other names: c.446_447delinsAA, p.Pro149Gln (NM_001281737.2); c.404_405delinsAA, p.Pro135Gln (NM_001281738.1); short protein forms P196Q, P149Q, P135Q.
Identifiers: ClinVar variation 1463240 (VCV001463240.6), dbSNP rs2150306642, ClinGen allele CA2573138102.